The following is an entry in ClinVar:

NM_030777.4(SLC2A10):c.1370C>T (p.Ala457Val)

Gene: SLC2A10 (solute carrier family 2 member 10; plus strand). Cytogenetic location: 20q13.12.
Variant type: single nucleotide variant.
Coding change: c.1370C>T on transcript NM_030777.4 (MANE Select); coding-DNA position 1370, C replaced by T.
Protein change: p.Ala457Val; replaces alanine 457 with valine.
Molecular consequence: missense variant.
Genome position (GRCh38, 1-based): chr20:46,726,945, C>T. VCF-style: chr20-46726945-C-T. GRCh37 (hg19) VCF-style: chr20-45355584-C-T.
Other names: p.A457V:GCG>GTG; p.Ala457Val; short protein forms A457V.
Identifiers: ClinVar variation 213737 (VCV000213737.102), dbSNP rs201393026, ClinGen allele CA324057.

ClinVar aggregate classification (germline): Conflicting classifications of pathogenicity. Review status: criteria provided, conflicting classifications (1 of 4 stars). 12 submissions from 12 submitters: Uncertain significance (9); Likely benign (2). 1 of the submissions does not count toward it. Last evaluated 2026-02-02.

Conditions:
SLC2A10-related disorder. Also called: SLC2A10-related condition.
Familial thoracic aortic aneurysm and aortic dissection (TAAD). Also called: Thoracic aortic aneurysms and dissections. Identifiers: Orphanet 91387, MedGen C4707243, MONDO:0019625.
Aortic aneurysm, familial thoracic 2 (AAT2). Identifiers: MedGen C1846837, MONDO:0011770, OMIM 607087.
Arterial tortuosity syndrome (ATORS). Identifiers: Orphanet 3342, MedGen C1859726, MONDO:0008818, OMIM 208050.

Allele frequency attached by ClinVar (database versions not stated): gnomAD 0.00015; TOPMed 0.00018; ExAC 0.00021; gnomAD exomes 0.00021 and 0.00035; ESP Exome Variant Server 0.00031.
gnomAD v4.1: 531 of 1,614,082 alleles (0.033%); highest among the groups gnomAD compares: Non-Finnish European, 0.041%; no homozygotes.

Submissions (12):

Labcorp Genetics (formerly Invitae), Labcorp
Classification: Likely benign for Arterial tortuosity syndrome. Last evaluated: 2026-02-02. Review status: criteria provided, single submitter. Criteria: Invitae Variant Classification Sherloc (09022015). Collection method: clinical testing. Allele origin: germline.

CeGaT Center for Human Genetics Tuebingen
Classification: Uncertain significance. Last evaluated: 2025-08-01. Review status: criteria provided, single submitter. Criteria: CeGaT Center For Human Genetics Tuebingen Variant Classification Criteria Version 2. Collection method: clinical testing. Allele origin: germline. Affected: yes. Observed: 2 variant alleles.
Comment: SLC2A10: PM2

ARUP Laboratories, Molecular Genetics and Genomics, ARUP Laboratories
Classification: Uncertain significance for Arterial tortuosity syndrome. Last evaluated: 2025-05-01. Review status: criteria provided, single submitter. Criteria: ARUP Molecular Germline Variant Investigation Process 2024. Collection method: clinical testing. Allele origin: germline.
Comment: The SLC2A10 c.1370C>T; p.Ala457Val variant (rs201393026), to our knowledge, is not reported in the medical literature but is reported in ClinVar (Variation ID: 213737). This variant is found in the general population with an allele frequency of 0.024% (67/282,878 alleles) in the Genome Aggregation Database (v2.1.1). Computational analyses are uncertain whether this variant is neutral or deleterious (REVEL: 0.526). Due to limited information, the clinical significance of this variant is uncertain at this time.

Ambry Genetics
Classification: Uncertain significance for Familial thoracic aortic aneurysm and aortic dissection. Last evaluated: 2025-02-27. Review status: criteria provided, single submitter. Criteria: Ambry Variant Classification Scheme 2023. Collection method: clinical testing. Allele origin: germline.
Comment: The p.A457V variant (also known as c.1370C>T), located in coding exon 3 of the SLC2A10 gene, results from a C to T substitution at nucleotide position 1370. The alanine at codon 457 is replaced by valine, an amino acid with similar properties. This amino acid position is well conserved in available vertebrate species; however, valine is the reference amino acid in other vertebrate species. In addition, this alteration is predicted to be tolerated by in silico analysis. Since supporting evidence is limited at this time, the clinical significance of this alteration remains unclear.

PreventionGenetics, part of Exact Sciences
Classification: Uncertain significance for SLC2A10-related condition. Last evaluated: 2025-01-31. Review status: criteria provided, single submitter. Criteria: ACMG Guidelines, 2015. Collection method: clinical testing. Allele origin: germline.
Comment: The SLC2A10 c.1370C>T variant is predicted to result in the amino acid substitution p.Ala457Val. To our knowledge, this variant has not been reported in the literature. This variant is reported in 0.039% of alleles in individuals of European (Non-Finnish) descent in gnomAD. At this time, the clinical significance of this variant is uncertain due to the absence of conclusive functional and genetic evidence.

Blueprint Genetics
Classification: Uncertain significance. Last evaluated: 2024-10-17. Review status: criteria provided, single submitter. Criteria: ACMG Guidelines, 2015. Collection method: clinical testing. Allele origin: germline.

GeneDx
Classification: Uncertain significance. Last evaluated: 2024-06-18. Review status: criteria provided, single submitter. Criteria: GeneDx Variant Classification Process June 2021. Collection method: clinical testing. Allele origin: germline. Affected: yes.
Comment: Has not been previously published as pathogenic or benign to our knowledge; In silico analysis indicates that this missense variant does not alter protein structure/function

Mayo Clinic Laboratories, Mayo Clinic
Classification: Uncertain significance. Last evaluated: 2023-02-22. Review status: criteria provided, single submitter. Criteria: ACMG Guidelines, 2015. Collection method: clinical testing. Allele origin: germline. Observed: 1 variant allele.

Women's Health and Genetics/Laboratory Corporation of America, LabCorp
Classification: Uncertain significance. Last evaluated: 2023-01-01. Review status: criteria provided, single submitter. Criteria: LabCorp Variant Classification Summary - May 2015. Collection method: clinical testing. Allele origin: germline.

CHEO Genetics Diagnostic Laboratory, Children's Hospital of Eastern Ontario
Classification: Likely benign for Familial thoracic aortic aneurysm and aortic dissection. Last evaluated: 2021-06-01. Review status: criteria provided, single submitter. Criteria: ACMG Guidelines, 2015. Collection method: clinical testing. Allele origin: germline.

Illumina Laboratory Services, Illumina
Classification: Uncertain significance for Arterial tortuosity syndrome. Last evaluated: 2018-01-12. Review status: criteria provided, single submitter. Criteria: ICSL Variant Classification Criteria 13 December 2019. Collection method: clinical testing. Allele origin: germline.

Clinical Molecular Genetics Laboratory, Johns Hopkins All Children's Hospital
Classification: Uncertain significance for Aortic aneurysm, familial thoracic 2. Last evaluated: 2016-11-08. Review status: no assertion criteria provided. Collection method: clinical testing. Allele origin: germline. Affected: yes. Not counted in ClinVar's aggregate classification.